The following is an entry in ClinVar:

ClinVar aggregate classification (germline): Pathogenic. Review status: criteria provided, multiple submitters, no conflicts (2 of 4 stars). 8 submissions from 8 submitters: Pathogenic (7). 1 of the submissions does not count toward it. Last evaluated 2026-07-07.

Conditions:
CNGA3-related disorders.
CNGA3-related disorder. Also called: CNGA3-related condition.
Achromatopsia 2 (ACHM2). Also called: COLORBLINDNESS, TOTAL; ROD MONOCHROMACY 2; ROD MONOCHROMATISM 2. Identifiers: Orphanet 49382, MedGen C1857618, MONDO:0009003, OMIM 216900.

Allele frequency attached by ClinVar (database versions not stated): ExAC 0.00003; gnomAD 0.00004; gnomAD exomes 0.00004 and 0.00006; TOPMed 0.00007.
gnomAD v4.1: 92 of 1,613,802 alleles (0.0057%); highest among the groups gnomAD compares: Admixed American, 0.0067%; no homozygotes.

Submissions (8):

PreventionGenetics, part of Exact Sciences
Classification: Pathogenic for CNGA3-related condition. Last evaluated: 2026-07-07. Review status: criteria provided, single submitter. Criteria: ACMG Guidelines, 2015. Collection method: clinical testing. Allele origin: germline.
Comment: The CNGA3 c.1228C>T variant is predicted to result in the amino acid substitution p.Arg410Trp. This variant has been reported many times in individuals with complete achromatopsia or unspecified retinal disease (see for examples: reported as Arg411Trp, Kohl et al. 1998. PubMed ID: 9662398; Dockery et al. 2017. PubMed ID: 29099798; Table S1, Lin et al. 2024. PubMed ID: 38219857). A functional study found that the p.Arg410Trp substitution causes a decrease in protein activity (Muraki-Oda et al. 2007. PubMed ID: 17693388). This variant is present in 0.0087% of alleles in individuals of Latino descent in gnomAD. This variant is interpreted as pathogenic.

Labcorp Genetics (formerly Invitae), Labcorp
Classification: Pathogenic. Last evaluated: 2025-10-01. Review status: criteria provided, single submitter. Criteria: Invitae Variant Classification Sherloc (09022015). Collection method: clinical testing. Allele origin: germline.
Comment: This sequence change replaces arginine, which is basic and polar, with tryptophan, which is neutral and slightly polar, at codon 410 of the CNGA3 protein (p.Arg410Trp). This variant is present in population databases (rs137852608, gnomAD 0.009%). This missense change has been observed in individuals with achromatopsia or cone dystrophy (PMID: 9662398, 11536077, 25637600, 29099798, 30337596). It has also been observed to segregate with disease in related individuals. This variant is also known as p.Arg411Trp. ClinVar contains an entry for this variant (Variation ID: 9479). Invitae Evidence Modeling of protein sequence and biophysical properties (such as structural, functional, and spatial information, amino acid conservation, physicochemical variation, residue mobility, and thermodynamic stability) indicates that this missense variant is expected to disrupt CNGA3 protein function with a positive predictive value of 95%. Experimental studies have shown that this missense change affects CNGA3 function (PMID: 17693388). For these reasons, this variant has been classified as Pathogenic.

CeGaT Center for Human Genetics Tuebingen
Classification: Pathogenic. Last evaluated: 2025-03-01. Review status: criteria provided, single submitter. Criteria: CeGaT Center For Human Genetics Tuebingen Variant Classification Criteria Version 2. Collection method: clinical testing. Allele origin: germline. Affected: yes. Observed: 1 variant allele.
Comment: CNGA3: PM3:Very Strong, PM2, PP3, PS3:Supporting

Women's Health and Genetics/Laboratory Corporation of America, LabCorp
Classification: Pathogenic for Achromatopsia 2. Last evaluated: 2024-09-10. Review status: criteria provided, single submitter. Criteria: LabCorp Variant Classification Summary - May 2015. Collection method: clinical testing. Allele origin: germline.
Comment: Variant summary: CNGA3 c.1228C>T (p.Arg410Trp) results in a non-conservative amino acid change in the encoded protein sequence. Five of five in-silico tools predict a damaging effect of the variant on protein function. The variant allele was found at a frequency of 4e-05 in 250286 control chromosomes (gnomAD). This frequency is not significantly higher than estimated for a pathogenic variant in CNGA3 causing Achromatopsia 2, allowing no conclusion about variant significance. c.1228C>T has been reported in the literature in multiple individuals affected with Cone Dystrophy or Achromatopsia 2. These data indicate that the variant is very likely to be associated with disease. The following publications have been ascertained in the context of this evaluation (PMID: 35456422, 30682209). ClinVar contains an entry for this variant (Variation ID: 9479). Based on the evidence outlined above, the variant was classified as pathogenic.

Blueprint Genetics
Classification: Pathogenic for CNGA3-related disorders. Last evaluated: 2024-03-15. Review status: criteria provided, single submitter. Criteria: ACMG Guidelines, 2015. Collection method: clinical testing. Allele origin: germline. Affected: yes. Observed: 5 variant alleles.

GeneDx
Classification: Pathogenic. Last evaluated: 2021-08-10. Review status: criteria provided, single submitter. Criteria: GeneDx Variant Classification Process June 2021. Collection method: clinical testing. Allele origin: germline. Affected: yes.
Comment: Published functional studies showed no cGMP-activated current by patch-clamp recording technique, suggesting R410W may cause a loss of function of CNG channels (Muraki-Oda et al., 2007); In silico analysis supports that this missense variant has a deleterious effect on protein structure/function; This variant is associated with the following publications: (PMID: 9662398, 17693388, 30682209, 30337596, 31589614, 29099798, 25637600, 21778272, 26407004, 15712225, 11536077, 12187427, 12876837, 27040408)

Illumina Laboratory Services, Illumina
Classification: Pathogenic for Achromatopsia 2. Last evaluated: 2018-04-25. Review status: criteria provided, single submitter. Criteria: ICSL Variant Classification Criteria 09 May 2019. Collection method: clinical testing. Allele origin: germline.
Comment: The CNGA3 c.1228C>T (p.Arg410Trp) variant was reported in six individuals with achromatopsia, including one individual who carries the variant in a homozygous state and five individuals, including a sibling pair, who carry the variant in a compound heterozygous state (Kohl et al. 1998; Wissinger et al. 2001; Nishiguchi et al. 2005; Genead et al. 2011; Liang et al. 2015). The variant was also identified in a homozygous state in an individual with cone dystrophy (Dockery et al. 2017). The p.Arg410Trp variant was absent from 190 control individuals (Kohl et al. 1998; Nishiguchi et al. 2005) and is reported at a frequency of 0.000089 in the Latino population of the Genome Aggregation Database. When transfected in HEK-293 cells, the p.Arg410Trp variant showed no cGMP channel activity, in contrast to the wild type protein, which showed maximum activity at the same vector concentration, and preliminary studies suggested that the channel function was not rescued when the p.Arg410Trp variant was co-expressed with wild type (Muraki-Oda et al. 2007). Tanaka et al. (2015) demonstrated that the canine orthologous variant, p.Arg424Trp, results in complete loss of channel activity and cone function in vivo, and structural modeling and molecular dynamics simulations suggested the variant disrupted a salt bridge formation. Based on the collective evidence, the p.Arg410Trp variant is classified as pathogenic for achromatopsia. This variant was observed by ICSL as part of a predisposition screen in an ostensibly healthy population.

OMIM
Classification: Pathogenic for ACHROMATOPSIA 2. Last evaluated: 1998-07-01. Review status: no assertion criteria provided. Collection method: literature only. Allele origin: germline. Not counted in ClinVar's aggregate classification.

Literature cited by the submitters: PubMed 9662398 (cited by 3 submitters); PubMed 11536077 (cited by Labcorp Genetics (formerly Invitae), Labcorp and Illumina Laboratory Services, Illumina); PubMed 25637600 (cited by Labcorp Genetics (formerly Invitae), Labcorp and Illumina Laboratory Services, Illumina); PubMed 29099798 (cited by Labcorp Genetics (formerly Invitae), Labcorp and Illumina Laboratory Services, Illumina); PubMed 30337596 (cited by Labcorp Genetics (formerly Invitae), Labcorp); PubMed 17693388 (cited by Labcorp Genetics (formerly Invitae), Labcorp and Illumina Laboratory Services, Illumina); PubMed 35456422 (cited by Women's Health and Genetics/Laboratory Corporation of America, LabCorp); PubMed 30682209 (cited by Women's Health and Genetics/Laboratory Corporation of America, LabCorp); PubMed 15712225 (cited by Illumina Laboratory Services, Illumina); PubMed 26407004 (cited by Illumina Laboratory Services, Illumina); PubMed 21778272 (cited by Illumina Laboratory Services, Illumina).

NM_001298.3(CNGA3):c.1228C>T (p.Arg410Trp)

Gene: CNGA3 (cyclic nucleotide gated channel subunit alpha 3; plus strand). Cytogenetic location: 2q11.2.
Variant type: single nucleotide variant.
Coding change: c.1228C>T on transcript NM_001298.3 (MANE Select); coding-DNA position 1228, C replaced by T.
Protein change: p.Arg410Trp; replaces arginine 410 with tryptophan.
Molecular consequence: missense variant.
Genome position (GRCh38, 1-based): chr2:98,396,398, C>T. VCF-style: chr2-98396398-C-T. GRCh37 (hg19) VCF-style: chr2-99012861-C-T.
Other names: R411W; c.1174C>T, p.Arg392Trp (NM_001079878.2); short protein forms R392W, R410W.
Identifiers: ClinVar variation 9479 (VCV000009479.25), dbSNP rs137852608, ClinGen allele CA254824.